The following is an entry in ClinVar:

NM_001330.5(CTF1):c.592G>C (p.Gly198Arg)

Genes: CTF1 (cardiotrophin 1; plus strand), LOC130058878 (ATAC-STARR-seq lymphoblastoid silent region 7400; plus strand). Cytogenetic location: 16p11.2.
Variant type: single nucleotide variant.
Coding change: c.592G>C on transcript NM_001330.5 (MANE Select); coding-DNA position 592, G replaced by C.
Protein change: p.Gly198Arg; replaces glycine 198 with arginine.
Molecular consequence: missense variant. On other transcripts: non-coding transcript variant (1).
Genome position (GRCh38, 1-based): chr16:30,902,525, G>C. VCF-style: chr16-30902525-G-C. GRCh37 (hg19) VCF-style: chr16-30913846-G-C.
Other names: c.589G>C, p.Gly197Arg (NM_001142544.3); short protein forms G197R, G198R.
Identifiers: ClinVar variation 1418941 (VCV001418941.6), dbSNP rs1356326953, ClinGen allele CA395619865.

ClinVar aggregate classification (germline): Uncertain significance (1 of 4 stars; one submission).

Allele frequency attached by ClinVar (database versions not stated): gnomAD exomes 0.00007; 1000 Genomes Project 30x 0.00016.
gnomAD v4.1: 9 of 1,492,550 alleles (0.0006%); highest among the groups gnomAD compares: Admixed American, 0.01%; 1 homozygote.

Submission:

Labcorp Genetics (formerly Invitae), Labcorp
Classification: Uncertain significance. Last evaluated: 2025-12-28. Review status: criteria provided, single submitter. Criteria: Invitae Variant Classification Sherloc (09022015). Collection method: clinical testing. Allele origin: germline.
Comment: This sequence change replaces glycine, which is neutral and non-polar, with arginine, which is basic and polar, at codon 198 of the CTF1 protein (p.Gly198Arg). The frequency data for this variant in the population databases is considered unreliable, as metrics indicate poor data quality at this position in the gnomAD database. This variant has not been reported in the literature in individuals affected with CTF1-related conditions. ClinVar contains an entry for this variant (Variation ID: 1418941). An algorithm developed to predict the effect of missense changes on protein structure and function (PolyPhen-2) suggests that this variant is likely to be disruptive. In summary, the available evidence is currently insufficient to determine the role of this variant in disease. Therefore, it has been classified as a Variant of Uncertain Significance.